The following is an entry in ClinVar:

NM_206926.2(SELENON):c.613C>T (p.Arg205Cys)

Gene: SELENON (selenoprotein N; plus strand). Cytogenetic location: 1p36.11.
Variant type: single nucleotide variant.
Coding change: c.613C>T on transcript NM_206926.2 (MANE Select); coding-DNA position 613, C replaced by T.
Protein change: p.Arg205Cys; replaces arginine 205 with cysteine.
Molecular consequence: missense variant.
Genome position (GRCh38, 1-based): chr1:25,808,757, C>T. VCF-style: chr1-25808757-C-T. GRCh37 (hg19) VCF-style: chr1-26135248-C-T.
Other names: c.715C>T, p.Arg239Cys (NM_020451.3); short protein forms R205C, R239C.
Identifiers: ClinVar variation 1374433 (VCV001374433.4), dbSNP rs749100423, ClinGen allele CA696603.

ClinVar aggregate classification (germline): Uncertain significance. Review status: criteria provided, multiple submitters, no conflicts (2 of 4 stars). 2 submissions from 2 submitters: Uncertain significance (2). Last evaluated 2023-09-21.

Conditions:
Eichsfeld type congenital muscular dystrophy (CMYO3). Also called: MYOPATHY, SEPN1-RELATED; SELENON-related myopathy; Congenital myopathy 3 with rigid spine; Rigid spine muscular dystrophy 1. Identifiers: MedGen C0410180, MONDO:0100100, OMIM 602771.

Allele frequency attached by ClinVar (database versions not stated): TOPMed 0.00001; gnomAD exomes 0.00002; ExAC 0.00003; gnomAD 0.00001.
gnomAD v4.1: 32 of 1,613,810 alleles (0.002%); highest among the groups gnomAD compares: East Asian, 0.0045%; no homozygotes.

Submissions (2):

Blueprint Genetics
Classification: Uncertain significance. Last evaluated: 2023-09-21. Review status: criteria provided, single submitter. Criteria: ACMG Guidelines, 2015. Collection method: clinical testing. Allele origin: germline.

Labcorp Genetics (formerly Invitae), Labcorp
Classification: Uncertain significance for Eichsfeld type congenital muscular dystrophy. Last evaluated: 2021-09-20. Review status: criteria provided, single submitter. Criteria: Invitae Variant Classification Sherloc (09022015). Collection method: clinical testing. Allele origin: germline.
Comment: This sequence change replaces arginine with cysteine at codon 239 of the SELENON protein (p.Arg239Cys). The arginine residue is highly conserved and there is a large physicochemical difference between arginine and cysteine. This variant is present in population databases (rs749100423, ExAC 0.006%). This variant has not been reported in the literature in individuals affected with SELENON-related conditions. Algorithms developed to predict the effect of missense changes on protein structure and function (SIFT, PolyPhen-2, Align-GVGD) all suggest that this variant is likely to be disruptive. In summary, the available evidence is currently insufficient to determine the role of this variant in disease. Therefore, it has been classified as a Variant of Uncertain Significance.